The following is an entry in ClinVar:

NM_000051.4(ATM):c.8140C>G (p.Gln2714Glu)

Genes: ATM (ATM serine/threonine kinase; plus strand), C11orf65 (chromosome 11 open reading frame 65; minus strand). Cytogenetic location: 11q22.3.
Variant type: single nucleotide variant.
Coding change: c.8140C>G on transcript NM_000051.4 (MANE Select); coding-DNA position 8140, C replaced by G.
Protein change: p.Gln2714Glu; replaces glutamine 2714 with glutamic acid.
Molecular consequence: missense variant. On other transcripts: intron variant (2).
Genome position (GRCh38, 1-based): chr11:108,335,098, C>G. VCF-style: chr11-108335098-C-G. GRCh37 (hg19) VCF-style: chr11-108205825-C-G.
Other names: c.8140C>G, p.Gln2714Glu (NM_001351834.2); c.641-26027G>C (NM_001330368.2); c.*38+122G>C (NM_001351110.2); short protein forms Q2714E.
Identifiers: ClinVar variation 407710 (VCV000407710.23), dbSNP rs1060501695, ClinGen allele CA16613499.

ClinVar aggregate classification (germline): Uncertain significance. Review status: criteria provided, multiple submitters, no conflicts (2 of 4 stars). 8 submissions from 8 submitters: Uncertain significance (7). 1 of the submissions does not count toward it. Last evaluated 2026-01-01.

Conditions:
Hereditary cancer-predisposing syndrome. Also called: Neoplastic Syndromes, Hereditary; Hereditary Cancer Syndrome; Tumor predisposition; Hereditary neoplastic syndrome. Identifiers: Orphanet 140162, MedGen C0027672, MeSH D009386, MONDO:0015356.
Ataxia-telangiectasia syndrome (AT). Also called: LOUIS-BAR SYNDROME; Cerebello-oculocutaneous telangiectasia; Immunodeficiency with ataxia telangiectasia; Ataxia-telangiectasia, complementation group D; AT, COMPLEMENTATION GROUP C; Ataxia-telangiectasia, complementation group E. Identifiers: Orphanet 100, MedGen C0004135, MONDO:0008840, OMIM 208900.

gnomAD v4.1: 1 of 1,614,014 alleles (0.000062%); highest among the groups gnomAD compares: Non-Finnish European, 0.000085%; no homozygotes.

Submissions (8):

Labcorp Genetics (formerly Invitae), Labcorp
Classification: Uncertain significance for Ataxia-telangiectasia syndrome. Last evaluated: 2026-01-01. Review status: criteria provided, single submitter. Criteria: Invitae Variant Classification Sherloc (09022015). Collection method: clinical testing. Allele origin: germline.
Comment: This sequence change replaces glutamine, which is neutral and polar, with glutamic acid, which is acidic and polar, at codon 2714 of the ATM protein (p.Gln2714Glu). This variant is not present in population databases (gnomAD no frequency). This variant has not been reported in the literature in individuals affected with ATM-related conditions. ClinVar contains an entry for this variant (Variation ID: 407710). Invitae Evidence Modeling of protein sequence and biophysical properties (such as structural, functional, and spatial information, amino acid conservation, physicochemical variation, residue mobility, and thermodynamic stability) has been performed for this missense variant. However, the output from this modeling did not meet the statistical confidence thresholds required to predict the impact of this variant on ATM protein function. In summary, the available evidence is currently insufficient to determine the role of this variant in disease. Therefore, it has been classified as a Variant of Uncertain Significance.

GeneDx
Classification: Uncertain significance. Last evaluated: 2025-03-11. Review status: criteria provided, single submitter. Criteria: GeneDx Variant Classification Process June 2021. Collection method: clinical testing. Allele origin: germline. Affected: yes.
Comment: Not observed at significant frequency in large population cohorts (gnomAD); In silico analysis indicates that this missense variant does not alter protein structure/function; Has not been previously published as pathogenic or benign to our knowledge; This variant is associated with the following publications: (PMID: 23532176)

Ambry Genetics
Classification: Uncertain significance for Hereditary cancer-predisposing syndrome. Last evaluated: 2024-01-25. Review status: criteria provided, single submitter. Criteria: Ambry Variant Classification Scheme 2023. Collection method: clinical testing. Allele origin: germline.
Comment: The p.Q2714E variant (also known as c.8140C>G), located in coding exon 54 of the ATM gene, results from a C to G substitution at nucleotide position 8140. The glutamine at codon 2714 is replaced by glutamic acid, an amino acid with highly similar properties. This amino acid position is highly conserved in available vertebrate species. In addition, this alteration is predicted to be deleterious by in silico analysis. Since supporting evidence is limited at this time, the clinical significance of this alteration remains unclear.

Color Diagnostics, LLC DBA Color Health
Classification: Uncertain significance for Hereditary cancer-predisposing syndrome. Last evaluated: 2024-01-04. Review status: criteria provided, single submitter. Criteria: ACMG Guidelines, 2015. Collection method: clinical testing. Allele origin: germline.
Comment: This missense variant replaces glutamine with glutamic acid at codon 2714 of the ATM protein. Computational prediction suggests that this variant may have deleterious impact on protein structure and function. To our knowledge, functional studies have not been reported for this variant. This variant has not been reported in individuals affected with ATM-related disorders in the literature. This variant has not been identified in the general population by the Genome Aggregation Database (gnomAD). The available evidence is insufficient to determine the role of this variant in disease conclusively. Therefore, this variant is classified as a Variant of Uncertain Significance.

Sema4
Classification: Uncertain significance for Hereditary cancer-predisposing syndrome. Last evaluated: 2022-01-09. Review status: criteria provided, single submitter. Criteria: Sema4 Curation Guidelines. Collection method: curation. Allele origin: germline.
Comment: The ATM c.8140C>G (p.Q2714E) variant has not been reported in the literature to our knowledge. It was not observed in the large and broad cohorts of the Genome Aggregation Database (PMID: 32461654). This variant has been reported in ClinVar (Variation ID 407710). In silico tools suggest the impact of the variant on protein function is deleterious, though these predictions have not been confirmed by functional studies. The evidence is insufficient to meet ACMG/AMP criteria for classifying the variant as benign or pathogenic. Thus, the clinical significance of this variant is currently uncertain.

Blueprint Genetics
Classification: Uncertain significance. Last evaluated: 2021-05-06. Review status: criteria provided, single submitter. Criteria: ACMG Guidelines, 2015. Collection method: clinical testing. Allele origin: germline.

Women's Health and Genetics/Laboratory Corporation of America, LabCorp
Classification: Uncertain significance. Last evaluated: 2017-02-23. Review status: criteria provided, single submitter. Criteria: LabCorp Variant Classification Summary - May 2015. Collection method: clinical testing. Allele origin: germline.
Comment: Variant summary: The ATM c.8140C>G (p.Gln2714Glu) variant involves the alteration of a conserved nucleotide. 3/4 in silico tools predict a damaging outcome for this variant (SNPs&GO not captured due to low reliability index). This variant is absent in 121246 control chromosomes. The variant of interest has not, to our knowledge, been reported in affected individuals via publications and/or reputable databases/clinical diagnostic laboratories; nor evaluated for functional impact by in vivo/vitro studies. Because of the absence of clinical information and the lack of functional studies, the variant is classified as a variant of uncertain significance (VUS) until additional information becomes available.

Natera, Inc.
Classification: Uncertain significance for Ataxia-telangiectasia. Last evaluated: 2020-09-16. Review status: no assertion criteria provided. Collection method: clinical testing. Allele origin: germline. Not counted in ClinVar's aggregate classification.